The following is an entry in ClinVar:

ClinVar aggregate classification (germline): Pathogenic. Review status: criteria provided, multiple submitters, no conflicts (2 of 4 stars). 4 submissions from 4 submitters: Pathogenic (3). 1 of the submissions does not count toward it. Last evaluated 2024-09-18.

Conditions:
Retinal dystrophy. Also called: Inherited retinal dystrophy. Identifiers: Orphanet 71862, MedGen C0854723, MeSH D058499, MONDO:0019118, HP:0000556.

Submissions (5):

GeneDx
Classification: Pathogenic. Last evaluated: 2024-09-18. Review status: criteria provided, single submitter. Criteria: GeneDx Variant Classification Process June 2021. Collection method: clinical testing. Allele origin: germline. Affected: yes.
Comment: Canonical splice site variant predicted to result in a null allele in a gene for which loss of function is a known mechanism of disease; Not observed at significant frequency in large population cohorts (gnomAD); This variant is associated with the following publications: (PMID: 25525159, 9618178, 23288992, 34645606)

Labcorp Genetics (formerly Invitae), Labcorp
Classification: Pathogenic. Last evaluated: 2023-07-07. Review status: criteria provided, single submitter. Criteria: Invitae Variant Classification Sherloc (09022015). Collection method: clinical testing. Allele origin: germline.
Comment: This sequence change affects a donor splice site in intron 5 of the RS1 gene. While this variant is not anticipated to result in nonsense mediated decay, it likely alters RNA splicing and results in a disrupted protein product. This variant is not present in population databases (gnomAD no frequency). Disruption of this splice site has been observed in individuals with retinoschisis (PMID: 9618178, 12920343, 23288992, 27032803). ClinVar contains an entry for this variant (Variation ID: 98980). Variants that disrupt the consensus splice site are a relatively common cause of aberrant splicing (PMID: 17576681, 9536098). Algorithms developed to predict the effect of sequence changes on RNA splicing suggest that this variant may disrupt the consensus splice site. For these reasons, this variant has been classified as Pathogenic.

Institute of Human Genetics, Univ. Regensburg, Univ. Regensburg
Classification: Pathogenic for Retinal dystrophy. Last evaluated: 2021-01-01. Review status: criteria provided, single submitter. Criteria: ACMG Guidelines, 2015. Collection method: clinical testing. Allele origin: germline. Affected: yes.

Dr. Peter K. Rogan Lab, Western University
No classification provided (evidence only). Condition: Thyroid cancer, nonmedullary, 1. Review status: no classification provided. Collection method: in vitro. Allele origin: not applicable. Functional consequence: retained intron. Not counted in ClinVar's aggregate classification.

Retina International
No classification provided. Review status: no classification provided. Collection method: not provided. Allele origin: unknown. Not counted in ClinVar's aggregate classification.

Literature cited by the submitters: PubMed 9618178 (cited by Labcorp Genetics (formerly Invitae), Labcorp and Institute of Human Genetics, Univ. Regensburg, Univ. Regensburg); PubMed 12920343 (cited by Labcorp Genetics (formerly Invitae), Labcorp); PubMed 23288992 (cited by Labcorp Genetics (formerly Invitae), Labcorp); PubMed 27032803 (cited by Labcorp Genetics (formerly Invitae), Labcorp); PubMed 17576681 (cited by Labcorp Genetics (formerly Invitae), Labcorp); PubMed 9536098 (cited by Labcorp Genetics (formerly Invitae), Labcorp); PubMed 25525159 (cited by Institute of Human Genetics, Univ. Regensburg, Univ. Regensburg); PubMed 34645606 (cited by Institute of Human Genetics, Univ. Regensburg, Univ. Regensburg).

NM_000330.4(RS1):c.522+1G>T

Genes: CDKL5 (cyclin dependent kinase like 5; plus strand), RS1 (retinoschisin 1; minus strand). Cytogenetic location: Xp22.13.
Variant type: single nucleotide variant.
Coding change: c.522+1G>T on transcript NM_000330.4 (MANE Select); the canonical splice donor site of the intron after coding-DNA position 522, G replaced by T.
Molecular consequence: splice donor variant. On other transcripts: intron variant (2).
Genome position (GRCh38, 1-based): chrX:18,644,429, C>A on the plus strand (G>T on the coding strand, the complement: RS1 is on the minus strand). VCF-style: chrX-18644429-C-A. GRCh37 (hg19) VCF-style: chrX-18662549-C-A.
Other names: c.2714-1578C>A (NM_003159.3, NM_001037343.2).
Identifiers: ClinVar variation 98980 (VCV000098980.10), dbSNP rs281865348, ClinGen allele CA226769.